The following is an entry in ClinVar:

NM_004656.4(BAP1):c.659+4A>T

Gene: BAP1 (BRCA1 associated deubiquitinase 1; minus strand). Cytogenetic location: 3p21.1.
Variant type: single nucleotide variant.
Coding change: c.659+4A>T on transcript NM_004656.4 (MANE Select); 4 bases into the intron after coding-DNA position 659, A replaced by T.
Molecular consequence: intron variant.
Genome position (GRCh38, 1-based): chr3:52,406,825, T>A on the plus strand (A>T on the coding strand, the complement: BAP1 is on the minus strand). VCF-style: chr3-52406825-T-A. GRCh37 (hg19) VCF-style: chr3-52440841-T-A.
Other names: c.659+4A>T (NM_001410772.1).
Identifiers: ClinVar variation 4867369 (VCV004867369.1).
Genomic context (GRCh38, chr3:52,406,825, plus strand): 5'-CTCTGTCCCTCCCAAAGTAGGTACAGCTCCAGAGAGTAGAACAGGGCAGGCACAGGGCCC[T>A]TACCCTGCAGTGGCGAGGCCGATACGCTCCATGATGACCCGCCGGGCCTTGTCTGTCCAC-3'

ClinVar aggregate classification (germline): Uncertain significance (1 of 4 stars; one submission).

Conditions:
Hereditary cancer-predisposing syndrome. Also called: Neoplastic Syndromes, Hereditary; Tumor predisposition; Hereditary Cancer Syndrome; Hereditary neoplastic syndrome. Identifiers: Orphanet 140162, MedGen C0027672, MeSH D009386, MONDO:0015356.

Submission:

Ambry Genetics
Classification: Uncertain significance for Hereditary cancer-predisposing syndrome. Last evaluated: 2026-06-05. Review status: criteria provided, single submitter. Criteria: Ambry Variant Classification Scheme 2023. Collection method: clinical testing. Allele origin: germline.
Comment: The c.659+4A>T intronic variant results from an A to T substitution 4 nucleotides after coding exon 8 in the BAP1 gene. This alteration was non-functional in a high throughput genome editing haploid cell survival functional assay (Waters AJ et al. Nat Genet, 2024 Jul;56:1434-1445). This nucleotide position is highly conserved in available vertebrate species. In silico splice site analysis predicts that this alteration will not have any significant effect on splicing. Based on the available evidence, the clinical significance of this variant remains unclear.

Literature cited by the submitters: PubMed 38969833.